The following is an entry in ClinVar:

ClinVar aggregate classification (germline): Uncertain significance (1 of 4 stars; one submission).

Conditions:
Developmental and epileptic encephalopathy, 23 (DEE23). Also called: Epileptic encephalopathy, early infantile, 23. Identifiers: Orphanet 411986, MedGen C4014492, MONDO:0014371, OMIM 615859.

Allele frequency attached by ClinVar (database versions not stated): gnomAD 0.00002; TOPMed 0.00002.
gnomAD v4.1: 3 of 1,587,774 alleles (0.00019%); highest among the groups gnomAD compares: African/African-American, 0.0041%; no homozygotes.

Submission:

Labcorp Genetics (formerly Invitae), Labcorp
Classification: Uncertain significance for Developmental and epileptic encephalopathy, 23. Last evaluated: 2021-08-26. Review status: criteria provided, single submitter. Criteria: Invitae Variant Classification Sherloc (09022015). Collection method: clinical testing. Allele origin: germline.
Comment: This sequence change replaces valine with isoleucine at codon 634 of the DOCK7 protein (p.Val634Ile). The valine residue is moderately conserved and there is a small physicochemical difference between valine and isoleucine. This variant is not present in population databases (ExAC no frequency). This variant has not been reported in the literature in individuals affected with DOCK7-related conditions. Algorithms developed to predict the effect of missense changes on protein structure and function (SIFT, PolyPhen-2, Align-GVGD) all suggest that this variant is likely to be tolerated. In summary, the available evidence is currently insufficient to determine the role of this variant in disease. Therefore, it has been classified as a Variant of Uncertain Significance.

NM_001367561.1(DOCK7):c.1900G>A (p.Val634Ile)

Gene: DOCK7 (dedicator of cytokinesis 7; minus strand). Cytogenetic location: 1p31.3.
Variant type: single nucleotide variant.
Coding change: c.1900G>A on transcript NM_001367561.1 (MANE Select); coding-DNA position 1900, G replaced by A.
Protein change: p.Val634Ile; replaces valine 634 with isoleucine.
Molecular consequence: missense variant.
Genome position (GRCh38, 1-based): chr1:62,578,938, C>T on the plus strand (G>A on the coding strand, the complement: DOCK7 is on the minus strand). VCF-style: chr1-62578938-C-T. GRCh37 (hg19) VCF-style: chr1-63044609-C-T.
Other names: c.1900G>A, p.Val634Ile (NM_001271999.2, NM_001272000.2, NM_001272001.2 and 2 more transcripts); short protein forms V634I.
Identifiers: ClinVar variation 1055579 (VCV001055579.8), dbSNP rs774732062, ClinGen allele CA340629362.